The following is an entry in ClinVar:

ClinVar aggregate classification (germline): Uncertain significance. Review status: criteria provided, multiple submitters, no conflicts (2 of 4 stars). 2 submissions from 2 submitters: Uncertain significance (2). Last evaluated 2025-05-27.

Conditions:
Intellectual disability, autosomal dominant 14 (CSS2). Also called: COFFIN-SIRIS SYNDROME 2. Identifiers: Orphanet 1465, MedGen C3553247, MONDO:0013819, OMIM 614607.

Submissions (2):

Labcorp Genetics (formerly Invitae), Labcorp
Classification: Uncertain significance. Last evaluated: 2025-05-27. Review status: criteria provided, single submitter. Criteria: Invitae Variant Classification Sherloc (09022015). Collection method: clinical testing. Allele origin: germline.
Comment: This sequence change replaces serine, which is neutral and polar, with cysteine, which is neutral and slightly polar, at codon 506 of the ARID1A protein (p.Ser506Cys). This variant is not present in population databases (gnomAD no frequency). This variant has not been reported in the literature in individuals affected with ARID1A-related conditions. ClinVar contains an entry for this variant (Variation ID: 1213757). Invitae Evidence Modeling of protein sequence and biophysical properties (such as structural, functional, and spatial information, amino acid conservation, physicochemical variation, residue mobility, and thermodynamic stability) indicates that this missense variant is not expected to disrupt ARID1A protein function with a negative predictive value of 95%. In summary, the available evidence is currently insufficient to determine the role of this variant in disease. Therefore, it has been classified as a Variant of Uncertain Significance.

New York Genome Center
Classification: Uncertain significance for Intellectual disability, autosomal dominant 14. Last evaluated: 2020-07-24. Review status: criteria provided, single submitter. Criteria: NYGC Assertion Criteria 2020. Collection method: clinical testing. Allele origin: germline. Observed: 1 heterozygote. Study: CSER-NYCKidSeq.
Comment: The c.1517C>G (p.Ser506Cys) variant identified in the ARID1A gene substitutes a moderately conserved Serine for Cysteine at amino acid 506/2286 (exon 3/20). This variant is absent from gnomAD(v3.0) suggesting it is not a common benign variant in the populations represented in that database. In silico algorithms do not agree on the effect of this variant, as it is predicted both Neutral (Provean; score:-1.68) and Damaging (SIFT; score:0.002) to the function of the canonical transcript. This variant is absent from ClinVar and to our current knowledge has not been reported in affected individuals in the literature. The p.Ser506 residue is not within a mapped domain of ARID1A (UniProtKB:O14497). Given the lack of compelling evidence for its pathogenicity, the c.1517C>G (p.Ser506Cys) variant identified in the ARID1A gene is reported as a Variant of Uncertain Significance.

NM_006015.6(ARID1A):c.1517C>G (p.Ser506Cys)

Gene: ARID1A (AT-rich interaction domain 1A; plus strand). Cytogenetic location: 1p36.11.
Variant type: single nucleotide variant.
Coding change: c.1517C>G on transcript NM_006015.6 (MANE Select); coding-DNA position 1517, C replaced by G.
Protein change: p.Ser506Cys; replaces serine 506 with cysteine.
Molecular consequence: missense variant.
Genome position (GRCh38, 1-based): chr1:26,731,318, C>G. VCF-style: chr1-26731318-C-G. GRCh37 (hg19) VCF-style: chr1-27057809-C-G.
Other names: c.1517C>G, p.Ser506Cys (NM_139135.4); short protein forms S506C.
Identifiers: ClinVar variation 1213757 (VCV001213757.2), dbSNP rs2124788689, ClinGen allele CA339268250.